The following is an entry in ClinVar:

NM_001291303.3(FAT4):c.13588C>T (p.Gln4530Ter)

Gene: FAT4 (FAT atypical cadherin 4; plus strand). Cytogenetic location: 4q28.1.
Variant type: single nucleotide variant.
Coding change: c.13588C>T on transcript NM_001291303.3 (MANE Select); coding-DNA position 13588, C replaced by T.
Protein change: p.Gln4530Ter; replaces glutamine 4530 with a stop codon.
Molecular consequence: nonsense.
Genome position (GRCh38, 1-based): chr4:125,490,404, C>T. VCF-style: chr4-125490404-C-T. GRCh37 (hg19) VCF-style: chr4-126411559-C-T.
Other names: c.13585C>T, p.Gln4529Ter (NM_001291285.3); c.13582C>T, p.Gln4528Ter (NM_024582.6); short protein forms Q4528*, Q4529*, Q4530*.
Identifiers: ClinVar variation 1703760 (VCV001703760.7), dbSNP rs2530083642, ClinGen allele CA358137084.

ClinVar aggregate classification (germline): Pathogenic/Likely pathogenic. Review status: criteria provided, multiple submitters, no conflicts (2 of 4 stars). 2 submissions from 2 submitters: Pathogenic (1); Likely pathogenic (1). Last evaluated 2025-10-01.

Conditions:
Hennekam lymphangiectasia-lymphedema syndrome 2 (HKLLS2). Identifiers: Orphanet 2136, MedGen C4014939, MONDO:0014454, OMIM 616006.

Submissions (2):

CeGaT Center for Human Genetics Tuebingen
Classification: Likely pathogenic. Last evaluated: 2025-10-01. Review status: criteria provided, single submitter. Criteria: CeGaT Center For Human Genetics Tuebingen Variant Classification Criteria Version 2. Collection method: clinical testing. Allele origin: germline. Affected: yes. Observed: 1 variant allele.
Comment: FAT4: PVS1:Strong, PM2

Institute of Human Genetics, University of Goettingen
Classification: Pathogenic for Hennekam lymphangiectasia-lymphedema syndrome 2. Last evaluated: 2021-11-05. Review status: criteria provided, single submitter. Criteria: ACMG Guidelines, 2015. Collection method: clinical testing. Allele origin: germline. Inheritance: Autosomal dominant inheritance. Affected: yes. Observed: 1 heterozygote.